The following is an entry in ClinVar:

NM_001040167.2(LFNG):c.897C>T (p.Ala299=)

Gene: LFNG (LFNG O-fucosylpeptide 3-beta-N-acetylglucosaminyltransferase; plus strand). Cytogenetic location: 7p22.3.
Variant type: single nucleotide variant.
Coding change: c.897C>T on transcript NM_001040167.2 (MANE Select); coding-DNA position 897, C replaced by T.
Protein change: p.Ala299=; no amino-acid change (alanine 299 retained).
Molecular consequence: synonymous variant.
Genome position (GRCh38, 1-based): chr7:2,526,319, C>T. VCF-style: chr7-2526319-C-T. GRCh37 (hg19) VCF-style: chr7-2565953-C-T.
Other names: c.897C>T, p.Ala299= (NM_001040168.2); c.684C>T, p.Ala228= (NM_001166355.2); c.510C>T, p.Ala170= (NM_002304.3).
Identifiers: ClinVar variation 3042280 (VCV003042280.4), dbSNP rs369407612, ClinGen allele CA4127193.

ClinVar aggregate classification (germline): Likely benign. Review status: criteria provided, single submitter (1 of 4 stars). 2 submissions from 2 submitters: Likely benign (1). 1 of the submissions does not count toward it. Last evaluated 2025-01-23.

Conditions:
Spondylocostal dysostosis 3, autosomal recessive (SCDO3). Also called: LFNG-Related Spondylocostal Dysostosis, Autosomal Recessive. Identifiers: Orphanet 2311, MedGen C1853296, MONDO:0012349, OMIM 609813.
LFNG-related disorder. Also called: LFNG-related condition.

Allele frequency attached by ClinVar (database versions not stated): ExAC 0.00001; gnomAD 0.00001; ESP Exome Variant Server 0.00008.
gnomAD v4.1: 47 of 1,612,706 alleles (0.0029%); highest among the groups gnomAD compares: Non-Finnish European, 0.0037%; no homozygotes.

Submissions (2):

Labcorp Genetics (formerly Invitae), Labcorp
Classification: Likely benign for Spondylocostal dysostosis 3, autosomal recessive. Last evaluated: 2025-01-23. Review status: criteria provided, single submitter. Criteria: Invitae Variant Classification Sherloc (09022015). Collection method: clinical testing. Allele origin: germline.

PreventionGenetics, part of Exact Sciences
Classification: Likely benign for LFNG-related condition. Last evaluated: 2019-05-08. Review status: no assertion criteria provided. Collection method: clinical testing. Allele origin: germline. Not counted in ClinVar's aggregate classification.
Comment: This variant is classified as likely benign based on ACMG/AMP sequence variant interpretation guidelines (Richards et al. 2015 PMID: 25741868, with internal and published modifications).